The following is an entry in ClinVar:

ClinVar aggregate classification (germline): Uncertain significance (1 of 4 stars; one submission).

Conditions:
Ehlers-Danlos syndrome due to tenascin-X deficiency (EDSCLL1). Also called: TNXB-Related Classical-Like Ehlers-Danlos Syndrome; EDS DUE TO TNX DEFICIENCY; EHLERS-DANLOS SYNDROME, CLASSIC-LIKE; Ehlers-Danlos syndrome, classic-like, 1; TNX DEFICIENCY. Identifiers: Orphanet 230839, MedGen C1848029, MONDO:0011670, OMIM 606408.

Submission:

MVZ Medizinische Genetik Mainz
Classification: Uncertain significance for Ehlers-Danlos syndrome due to tenascin-X deficiency. Last evaluated: 2025-05-23. Review status: criteria provided, single submitter. Criteria: UK Practice Guidelines For Variant Classification V4 01 2020. Collection method: clinical testing. Allele origin: germline. Inheritance: Autosomal recessive inheritance. Affected: yes. Observed: 1 variant allele.
Comment: ACMG Criteria: PM2_SUP,PM3_SUP,PM4_SUP,PP3

NM_001365276.2(TNXB):c.12198_12200del (p.Gly4068del)

Genes: TNXB (tenascin XB; minus strand), LOC106780803 (tenascin XB recombination region; plus strand). Cytogenetic location: 6p21.33.
Variant type: Deletion.
Coding change: c.12198_12200del on transcript NM_001365276.2 (MANE Select); coding-DNA positions 12198 to 12200, 3 bases deleted (GGG; older notation c.12198_12200delGGG).
Protein change: p.Gly4068del; deletes glycine 4068.
Genome position (GRCh38, 1-based): chr6:32,042,465-32,042,467, CCC deleted on the plus strand (GGG on the coding strand, the reverse complement: TNXB is on the minus strand); deleting any 3 consecutive bases within chr6:32,042,465-32,042,469 gives the same sequence; the c. name uses the placement nearest the transcript's 3' end. VCF-style (leftmost placement, unchanged base first): chr6-32042464-GCCC-G. GRCh37 (hg19) VCF-style: chr6-32010241-GCCC-G.
Other names: c.12939_12941del, p.Gly4315del (NM_001428335.1); c.12192_12194del, p.Gly4066del (NM_019105.8); c.1485_1487del, p.Gly497del (NM_032470.4); short protein forms G4066del, G4068del, G4315del, G497del.
Identifiers: ClinVar variation 3907678 (VCV003907678.1).